The following is an entry in ClinVar:

NM_001903.5(CTNNA1):c.844C>G (p.Leu282Val)

Gene: CTNNA1 (catenin alpha 1; plus strand). Cytogenetic location: 5q31.2.
Variant type: single nucleotide variant.
Coding change: c.844C>G on transcript NM_001903.5 (MANE Select); coding-DNA position 844, C replaced by G.
Protein change: p.Leu282Val; replaces leucine 282 with valine.
Molecular consequence: missense variant.
Genome position (GRCh38, 1-based): chr5:138,824,785, C>G. VCF-style: chr5-138824785-C-G. GRCh37 (hg19) VCF-style: chr5-138160474-C-G.
Other names: c.844C>G, p.Leu282Val (NM_001290307.3, NM_001323982.2, NM_001323983.1 and 3 more transcripts); c.535C>G, p.Leu179Val (NM_001290309.3); c.475C>G, p.Leu159Val (NM_001290310.3); short protein forms L179V, L282V, L159V.
Identifiers: ClinVar variation 1420096 (VCV001420096.6), dbSNP rs2149776761, ClinGen allele CA361130280.

ClinVar aggregate classification (germline): Uncertain significance (1 of 4 stars; one submission).

Submission:

Labcorp Genetics (formerly Invitae), Labcorp
Classification: Uncertain significance. Last evaluated: 2022-06-27. Review status: criteria provided, single submitter. Criteria: Invitae Variant Classification Sherloc (09022015). Collection method: clinical testing. Allele origin: germline.
Comment: Algorithms developed to predict the effect of missense changes on protein structure and function are either unavailable or do not agree on the potential impact of this missense change (SIFT: "Deleterious"; PolyPhen-2: "Probably Damaging"; Align-GVGD: "Class C0"). In summary, the available evidence is currently insufficient to determine the role of this variant in disease. Therefore, it has been classified as a Variant of Uncertain Significance. This variant has not been reported in the literature in individuals affected with CTNNA1-related conditions. This variant is not present in population databases (gnomAD no frequency). This sequence change replaces leucine, which is neutral and non-polar, with valine, which is neutral and non-polar, at codon 282 of the CTNNA1 protein (p.Leu282Val).